The following is an entry in ClinVar:

ClinVar aggregate classification (germline): Uncertain significance (1 of 4 stars; one submission).

Conditions:
ASIC5-related disorder. Also called: ASIC5-related condition.

gnomAD v4.1: 63 of 1,613,416 alleles (0.0039%); highest among the groups gnomAD compares: Admixed American, 0.11%; no homozygotes.

Submission:

PreventionGenetics, part of Exact Sciences
Classification: Uncertain significance for ASIC5-related condition. Last evaluated: 2025-03-12. Review status: criteria provided, single submitter. Criteria: ACMG Guidelines, 2015. Collection method: clinical testing. Allele origin: germline.
Comment: The ASIC5 c.739G>T variant is predicted to result in the amino acid substitution p.Gly247Cys. To our knowledge, this variant has not been reported in the literature. This variant is reported in 0.15% of alleles in individuals of Latino descent in gnomAD. Although we suspect that this variant may be benign, at this time, the clinical significance of this variant is uncertain due to the absence of conclusive functional and genetic evidence.

NM_017419.3(ASIC5):c.739G>T (p.Gly247Cys)

Gene: ASIC5 (acid sensing ion channel subunit family member 5; minus strand). Cytogenetic location: 4q32.1.
Variant type: single nucleotide variant.
Coding change: c.739G>T on transcript NM_017419.3 (MANE Select); coding-DNA position 739, G replaced by T.
Protein change: p.Gly247Cys; replaces glycine 247 with cysteine.
Molecular consequence: missense variant.
Genome position (GRCh38, 1-based): chr4:155,843,803, C>A on the plus strand (G>T on the coding strand, the complement: ASIC5 is on the minus strand). VCF-style: chr4-155843803-C-A. GRCh37 (hg19) VCF-style: chr4-156764955-C-A.
Other names: short protein forms G247C.
Identifiers: ClinVar variation 4988487 (VCV004988487.1).